The following is an entry in ClinVar:

NM_001393769.1(MED12L):c.1250A>T (p.Asn417Ile)

Gene: MED12L (mediator complex subunit 12L; plus strand). Cytogenetic location: 3q25.1.
Variant type: single nucleotide variant.
Coding change: c.1250A>T on transcript NM_001393769.1 (MANE Select); coding-DNA position 1250, A replaced by T.
Protein change: p.Asn417Ile; replaces asparagine 417 with isoleucine.
Molecular consequence: missense variant.
Genome position (GRCh38, 1-based): chr3:151,164,035, A>T. VCF-style: chr3-151164035-A-T. GRCh37 (hg19) VCF-style: chr3-150881822-A-T.
Other names: c.1250A>T, p.Asn417Ile (NM_053002.6); c.1250A>T (NM_053002.5); short protein forms N417I.
Identifiers: ClinVar variation 3124877 (VCV003124877.3), dbSNP rs761280014, ClinGen allele CA85685909.

ClinVar aggregate classification (germline): Uncertain significance. Review status: criteria provided, multiple submitters, no conflicts (2 of 4 stars). 3 submissions from 3 submitters: Uncertain significance (3). Last evaluated 2026-01-26.

Conditions:
Inborn genetic diseases. Identifiers: MedGen C0950123, MeSH D030342.
MED12L-related disorder. Also called: MED12L-related condition.

gnomAD v4.1: 3 of 1,613,016 alleles (0.00019%); highest among the groups gnomAD compares: Admixed American, 0.005%; no homozygotes.

Submissions (3):

GeneDx
Classification: Uncertain significance. Last evaluated: 2026-01-26. Review status: criteria provided, single submitter. Criteria: GeneDx Variant Classification Process June 2021. Collection method: clinical testing. Allele origin: germline.
Comment: Not observed at significant frequency in large population cohorts (gnomAD); In silico analysis supports that this missense variant has a deleterious effect on protein structure/function; Has not been previously published as pathogenic or benign to our knowledge

PreventionGenetics, part of Exact Sciences
Classification: Uncertain significance for MED12L-related condition. Last evaluated: 2025-08-28. Review status: criteria provided, single submitter. Criteria: ACMG Guidelines, 2015. Collection method: clinical testing. Allele origin: germline.
Comment: The MED12L c.1250A>T variant is predicted to result in the amino acid substitution p.Asn417Ile. To our knowledge, this variant has not been reported in the literature or in a large population database (gnomAD), indicating this variant is rare. At this time, the clinical significance of this variant is uncertain due to the absence of conclusive functional and genetic evidence.

Ambry Genetics
Classification: Uncertain significance for Inborn genetic diseases. Last evaluated: 2023-11-03. Review status: criteria provided, single submitter. Criteria: Ambry Variant Classification Scheme 2023. Collection method: clinical testing. Allele origin: germline.